The following is an entry in ClinVar:

NM_020911.2(PLXNA4):c.1164G>A (p.Val388=)

Gene: PLXNA4 (plexin A4; minus strand). Cytogenetic location: 7q32.3.
Variant type: single nucleotide variant.
Coding change: c.1164G>A on transcript NM_020911.2 (MANE Select); coding-DNA position 1164, G replaced by A.
Protein change: p.Val388=; no amino-acid change (valine 388 retained).
Molecular consequence: synonymous variant.
Genome position (GRCh38, 1-based): chr7:132,507,530, C>T on the plus strand (G>A on the coding strand, the complement: PLXNA4 is on the minus strand). VCF-style: chr7-132507530-C-T. GRCh37 (hg19) VCF-style: chr7-132192289-C-T.
Other names: c.1164G>A, p.Val388= (NM_001105543.2, NM_001393897.1, NM_181775.4).
Identifiers: ClinVar variation 4986075 (VCV004986075.1).

ClinVar aggregate classification (germline): Uncertain significance (1 of 4 stars; one submission).

Conditions:
PLXNA4-related disorder. Also called: PLXNA4-related condition.

Submission:

PreventionGenetics, part of Exact Sciences
Classification: Uncertain significance for PLXNA4-related condition. Last evaluated: 2025-04-18. Review status: criteria provided, single submitter. Criteria: ACMG Guidelines, 2015. Collection method: clinical testing. Allele origin: germline.
Comment: The PLXNA4 c.1164G>A variant is not predicted to result in an amino acid change (p.=). This variant is predicted to alter splicing based on available splicing prediction software (SpliceAI, Jaganathan et al. 2019. PubMed ID: 30661751). However, the use of computer prediction software is not equivalent to functional evidence. To our knowledge, this variant has not been reported in the literature or in a large population database (gnomAD), indicating this variant is rare. At this time, the clinical significance of this variant is uncertain due to the absence of conclusive functional and genetic evidence.